The following is an entry in ClinVar:

ClinVar aggregate classification (germline): Uncertain significance (1 of 4 stars; one submission).

Submission:

Labcorp Genetics (formerly Invitae), Labcorp
Classification: Uncertain significance. Last evaluated: 2025-11-09. Review status: criteria provided, single submitter. Criteria: Invitae Variant Classification Sherloc (09022015). Collection method: clinical testing. Allele origin: germline.
Comment: This sequence change replaces proline, which is neutral and non-polar, with serine, which is neutral and polar, at codon 11 of the SLC51B protein (p.Pro11Ser). The frequency data for this variant in the population databases is considered unreliable, as metrics indicate poor data quality at this position in the gnomAD database. This variant has not been reported in the literature in individuals affected with SLC51B-related conditions. An algorithm developed to predict the effect of missense changes on protein structure and function (PolyPhen-2) suggests that this variant is likely to be disruptive. In summary, the available evidence is currently insufficient to determine the role of this variant in disease. Therefore, it has been classified as a Variant of Uncertain Significance.

NM_178859.4(SLC51B):c.31C>T (p.Pro11Ser)

Genes: RASL12 (RAS like family 12; minus strand), SLC51B (SLC51 subunit beta; plus strand). Cytogenetic location: 15q22.31.
Variant type: single nucleotide variant.
Coding change: c.31C>T on transcript NM_178859.4 (MANE Select); coding-DNA position 31, C replaced by T.
Protein change: p.Pro11Ser; replaces proline 11 with serine.
Molecular consequence: missense variant.
Genome position (GRCh38, 1-based): chr15:65,050,035, C>T. VCF-style: chr15-65050035-C-T. GRCh37 (hg19) VCF-style: chr15-65342373-C-T.
Other names: short protein forms P11S.
Identifiers: ClinVar variation 4766006 (VCV004766006.1).